The following is an entry in ClinVar:

ClinVar aggregate classification (germline): Benign/Likely benign. Review status: criteria provided, multiple submitters, no conflicts (2 of 4 stars). 4 submissions from 4 submitters: Benign (1); Likely benign (3). Last evaluated 2025-02-17.

Conditions:
Juvenile polyposis syndrome (JPS). Identifiers: Orphanet 2929, MedGen C0345893, MONDO:0017380, OMIM 174900.
Hereditary cancer-predisposing syndrome. Also called: Tumor predisposition; Hereditary Cancer Syndrome; Hereditary neoplastic syndrome; Neoplastic Syndromes, Hereditary. Identifiers: Orphanet 140162, MedGen C0027672, MeSH D009386, MONDO:0015356.

Allele frequency attached by ClinVar (database versions not stated): gnomAD 0.00001; 1000 Genomes Project 30x 0.00016; 1000 Genomes Project 0.00020.
gnomAD v4.1: 1 of 1,613,936 alleles (0.000062%); highest among the groups gnomAD compares: Non-Finnish European, 0.000085%; no homozygotes.

Submissions (4):

Color Diagnostics, LLC DBA Color Health
Classification: Likely benign for Hereditary cancer-predisposing syndrome. Last evaluated: 2025-02-17. Review status: criteria provided, single submitter. Criteria: ACMG Guidelines, 2015. Collection method: clinical testing. Allele origin: germline.

Myriad Genetics, Inc.
Classification: Benign for Juvenile polyposis syndrome. Last evaluated: 2024-08-05. Review status: criteria provided, single submitter. Criteria: Myriad Autosomal Dominant, Autosomal Recessive and X-Linked Classification Criteria (2023). Collection method: clinical testing. Allele origin: unknown.
Comment: This variant is considered benign. This variant is a silent/synonymous amino acid change and it is not expected to impact splicing.

Labcorp Genetics (formerly Invitae), Labcorp
Classification: Likely benign for Juvenile polyposis syndrome. Last evaluated: 2024-04-22. Review status: criteria provided, single submitter. Criteria: Invitae Variant Classification Sherloc (09022015). Collection method: clinical testing. Allele origin: germline.

Ambry Genetics
Classification: Likely benign for Hereditary cancer-predisposing syndrome. Last evaluated: 2020-03-02. Review status: criteria provided, single submitter. Criteria: Ambry Variant Classification Scheme 2023. Collection method: clinical testing. Allele origin: germline.

NM_004329.3(BMPR1A):c.990C>T (p.Ala330=)

Gene: BMPR1A (bone morphogenetic protein receptor type 1A; plus strand). Cytogenetic location: 10q23.2.
Variant type: single nucleotide variant.
Coding change: c.990C>T on transcript NM_004329.3 (MANE Select); coding-DNA position 990, C replaced by T.
Protein change: p.Ala330=; no amino-acid change (alanine 330 retained).
Molecular consequence: synonymous variant.
Genome position (GRCh38, 1-based): chr10:86,919,293, C>T. VCF-style: chr10-86919293-C-T. GRCh37 (hg19) VCF-style: chr10-88679050-C-T.
Identifiers: ClinVar variation 184817 (VCV000184817.14), dbSNP rs199808362, ClinGen allele CA190138.